The following is an entry in ClinVar:

NM_001372.4(DNAH9):c.8054T>C (p.Ile2685Thr)

Gene: DNAH9 (dynein axonemal heavy chain 9; plus strand). Cytogenetic location: 17p12.
Variant type: single nucleotide variant.
Coding change: c.8054T>C on transcript NM_001372.4 (MANE Select); coding-DNA position 8054, T replaced by C.
Protein change: p.Ile2685Thr; replaces isoleucine 2685 with threonine.
Molecular consequence: missense variant.
Genome position (GRCh38, 1-based): chr17:11,784,532, T>C. VCF-style: chr17-11784532-T-C. GRCh37 (hg19) VCF-style: chr17-11687849-T-C.
Other names: c.8054T>C (NM_001372.3); short protein forms I2685T.
Identifiers: ClinVar variation 2007430 (VCV002007430.5), dbSNP rs780530395, ClinGen allele CA8396803.

ClinVar aggregate classification (germline): Uncertain significance. Review status: criteria provided, multiple submitters, no conflicts (2 of 4 stars). 2 submissions from 2 submitters: Uncertain significance (2). Last evaluated 2025-11-05.

Conditions:
Inborn genetic diseases. Identifiers: MedGen C0950123, MeSH D030342.

Allele frequency attached by ClinVar (database versions not stated): gnomAD exomes below 0.00001; ExAC 0.00001.
gnomAD v4.1: 2 of 1,614,148 alleles (0.00012%); highest among the groups gnomAD compares: Non-Finnish European, 0.00017%; no homozygotes.

Submissions (2):

Ambry Genetics
Classification: Uncertain significance for Inborn genetic diseases. Last evaluated: 2025-11-05. Review status: criteria provided, single submitter. Criteria: Ambry Variant Classification Scheme 2023. Collection method: clinical testing. Allele origin: germline.

Labcorp Genetics (formerly Invitae), Labcorp
Classification: Uncertain significance. Last evaluated: 2022-06-16. Review status: criteria provided, single submitter. Criteria: Invitae Variant Classification Sherloc (09022015). Collection method: clinical testing. Allele origin: germline.
Comment: In summary, the available evidence is currently insufficient to determine the role of this variant in disease. Therefore, it has been classified as a Variant of Uncertain Significance. Algorithms developed to predict the effect of missense changes on protein structure and function are either unavailable or do not agree on the potential impact of this missense change (SIFT: "Deleterious"; PolyPhen-2: "Probably Damaging"; Align-GVGD: "Class C0"). This variant has not been reported in the literature in individuals affected with DNAH9-related conditions. This variant is present in population databases (rs780530395, gnomAD 0.0009%). This sequence change replaces isoleucine, which is neutral and non-polar, with threonine, which is neutral and polar, at codon 2685 of the DNAH9 protein (p.Ile2685Thr).